The following is an entry in ClinVar:

NM_000059.4(BRCA2):c.1770T>A (p.Phe590Leu)

Gene: BRCA2 (BRCA2 DNA repair associated; plus strand). Cytogenetic location: 13q13.1.
Variant type: single nucleotide variant.
Coding change: c.1770T>A on transcript NM_000059.4 (MANE Select); coding-DNA position 1770, T replaced by A.
Protein change: p.Phe590Leu; replaces phenylalanine 590 with leucine.
Molecular consequence: missense variant. On other transcripts: non-coding transcript variant (1), intron variant (1).
Genome position (GRCh38, 1-based): chr13:32,333,248, T>A. VCF-style: chr13-32333248-T-A. GRCh37 (hg19) VCF-style: chr13-32907385-T-A.
Other names: c.1770T>A, p.Phe590Leu (NM_001406719.1, NM_001406720.1, NM_001406721.1 and 1 more transcripts); c.424+2218T>A (NM_001406722.1); short protein forms F590L.
Identifiers: ClinVar variation 4628989 (VCV004628989.1).

ClinVar aggregate classification (germline): Uncertain significance (1 of 4 stars; one submission).

Conditions:
Hereditary cancer-predisposing syndrome. Also called: Neoplastic Syndromes, Hereditary; Tumor predisposition; Hereditary Cancer Syndrome; Hereditary neoplastic syndrome. Identifiers: Orphanet 140162, MedGen C0027672, MeSH D009386, MONDO:0015356.

Submission:

Ambry Genetics
Classification: Uncertain significance for Hereditary cancer-predisposing syndrome. Last evaluated: 2025-10-27. Review status: criteria provided, single submitter. Criteria: Ambry Variant Classification Scheme 2023. Collection method: clinical testing. Allele origin: germline.
Comment: The p.F590L variant (also known as c.1770T>A), located in coding exon 9 of the BRCA2 gene, results from a T to A substitution at nucleotide position 1770. The phenylalanine at codon 590 is replaced by leucine, an amino acid with highly similar properties. This amino acid position is conserved. In addition, the in silico prediction for this alteration is inconclusive. Based on the available evidence, the clinical significance of this variant remains unclear.